The following is an entry in ClinVar:

NM_003482.4(KMT2D):c.1301del (p.Leu434fs)

Gene: KMT2D (lysine methyltransferase 2D; minus strand). Cytogenetic location: 12q13.12.
Variant type: Deletion.
Coding change: c.1301del on transcript NM_003482.4 (MANE Select); coding-DNA position 1301, one base deleted (T; older notation c.1301delT).
Protein change: p.Leu434fs; shifts the reading frame from leucine 434.
Molecular consequence: frameshift variant.
Genome position (GRCh38, 1-based): chr12:49,052,382, A deleted on the plus strand (T on the coding strand, the reverse complement: KMT2D is on the minus strand). VCF-style (leftmost placement, unchanged base first): chr12-49052381-TA-T. GRCh37 (hg19) VCF-style: chr12-49446164-TA-T.
Other names: c.1301del (NM_003482.3); c.1301delT (NM_003482.3); short protein forms L434fs.
Identifiers: ClinVar variation 547402 (VCV000547402.5), dbSNP rs1555197738, ClinGen allele CA658823386.

ClinVar aggregate classification (germline): Pathogenic. Review status: criteria provided, multiple submitters, no conflicts (2 of 4 stars). 3 submissions from 3 submitters: Pathogenic (3). Last evaluated 2026-07-02.

Conditions:
Kabuki syndrome 1 (KABUK1). Also called: KMT2D-Related Kabuki Syndrome. Identifiers: Orphanet 2322, MedGen CN030661, MONDO:0007843, OMIM 147920.
KMT2D-related disorder. Also called: KMT2D-Related Disorders.

Submissions (3):

PreventionGenetics, part of Exact Sciences
Classification: Pathogenic for KMT2D-related condition. Last evaluated: 2026-07-02. Review status: criteria provided, single submitter. Criteria: ACMG Guidelines, 2015. Collection method: clinical testing. Allele origin: germline.
Comment: The KMT2D c.1301delT variant is predicted to result in a frameshift and premature protein termination (p.Leu434Glnfs*496). This variant has been reported as de novo in two individuals with Kabuki syndrome (Paulussen et al. 2011. PubMed ID: 21280141; Tsang et al. 2024. PubMed ID: 38768529). This variant has not been reported in a large population database (gnomAD), indicating this variant is rare. Frameshift variants in KMT2D are expected to be pathogenic. This variant is interpreted as pathogenic.

Revvity Omics, Revvity
Classification: Pathogenic. Last evaluated: 2022-05-20. Review status: criteria provided, single submitter. Criteria: ACMG Guidelines, 2015. Collection method: clinical testing. Allele origin: germline.

Center for Human Genetics, Inc
Classification: Pathogenic for Kabuki syndrome 1. Last evaluated: 2016-11-01. Review status: criteria provided, single submitter. Criteria: ACMG Guidelines, 2015. Collection method: clinical testing. Allele origin: germline. Affected: yes.